The following is an entry in ClinVar:

NM_004370.6(COL12A1):c.2288G>T (p.Gly763Val)

Gene: COL12A1 (collagen type XII alpha 1 chain; minus strand). Cytogenetic location: 6q13.
Variant type: single nucleotide variant.
Coding change: c.2288G>T on transcript NM_004370.6 (MANE Select); coding-DNA position 2288, G replaced by T.
Protein change: p.Gly763Val; replaces glycine 763 with valine.
Molecular consequence: missense variant. On other transcripts: intron variant (2).
Genome position (GRCh38, 1-based): chr6:75,177,812, C>A on the plus strand (G>T on the coding strand, the complement: COL12A1 is on the minus strand). VCF-style: chr6-75177812-C-A. GRCh37 (hg19) VCF-style: chr6-75887528-C-A.
Other names: c.2288G>T, p.Gly763Val (NM_001424113.1, NM_001424114.1, NM_001424115.1); c.73+24908G>T (NM_001424116.1, NM_080645.3); short protein forms G763V.
Identifiers: ClinVar variation 2943359 (VCV002943359.3), dbSNP rs770965835, ClinGen allele CA364764135.
Genomic context (GRCh38, chr6:75,177,812, plus strand): 5'-ATCAAGTTCTCCAGTGTTCTCCTCCTCTGATTGGGTGGGGTGGTAACTTCTCTGCTCTCT[C>A]CACCAGCAACTGGTCTATATATAATTCGATATCTTAAAACTCTCCCTGGAGCTTGAGTCC-3'
Protein context (NP_004361.3, residues 753-773): YRIIYRPVAG[Gly763Val]ESREVTTPPN

ClinVar aggregate classification (germline): Uncertain significance (1 of 4 stars; one submission).

Conditions:
Ullrich congenital muscular dystrophy 2 (UCMD2). Identifiers: Orphanet 75840, MedGen C4225314, MONDO:0014654, OMIM 616470.
Bethlem myopathy 2 (BTHLM2). Identifiers: Orphanet 536516, Orphanet 610, MedGen C4225313, MONDO:0034022, OMIM 616471.

Submission:

Labcorp Genetics (formerly Invitae), Labcorp
Classification: Uncertain significance for Bethlem myopathy 2; Ullrich congenital muscular dystrophy 2. Last evaluated: 2023-03-03. Review status: criteria provided, single submitter. Criteria: Invitae Variant Classification Sherloc (09022015). Collection method: clinical testing. Allele origin: germline.
Comment: Advanced modeling of protein sequence and biophysical properties (such as structural, functional, and spatial information, amino acid conservation, physicochemical variation, residue mobility, and thermodynamic stability) performed at Invitae indicates that this missense variant is not expected to disrupt COL12A1 protein function. In summary, the available evidence is currently insufficient to determine the role of this variant in disease. Therefore, it has been classified as a Variant of Uncertain Significance. This variant has not been reported in the literature in individuals affected with COL12A1-related conditions. This variant is not present in population databases (gnomAD no frequency). This sequence change replaces glycine, which is neutral and non-polar, with valine, which is neutral and non-polar, at codon 763 of the COL12A1 protein (p.Gly763Val).